The following is an entry in ClinVar:

NM_020937.4(FANCM):c.4318-10C>G

Gene: FANCM (FA complementation group M; plus strand). Cytogenetic location: 14q21.2.
Variant type: single nucleotide variant.
Coding change: c.4318-10C>G on transcript NM_020937.4 (MANE Select); 10 bases into the intron before coding-DNA position 4318, C replaced by G.
Molecular consequence: intron variant.
Genome position (GRCh38, 1-based): chr14:45,181,627, C>G. VCF-style: chr14-45181627-C-G. GRCh37 (hg19) VCF-style: chr14-45650830-C-G.
Other names: c.4240-10C>G (NM_001308133.2).
Identifiers: ClinVar variation 2575013 (VCV002575013.1), dbSNP rs2503214265, ClinGen allele CA2580616602.

ClinVar aggregate classification (germline): Uncertain significance (1 of 4 stars; one submission).

Submission:

GeneDx
Classification: Uncertain significance. Last evaluated: 2023-02-01. Review status: criteria provided, single submitter. Criteria: GeneDx Variant Classification Process June 2021. Collection method: clinical testing. Allele origin: germline. Affected: yes.
Comment: Not observed at significant frequency in large population cohorts (gnomAD); In silico analysis supports a deleterious effect on splicing; Has not been previously published as pathogenic or benign to our knowledge